The following is an entry in ClinVar:

ClinVar aggregate classification (germline): Uncertain significance. Review status: criteria provided, multiple submitters, no conflicts (2 of 4 stars). 3 submissions from 3 submitters: Uncertain significance (3). Last evaluated 2026-03-25.

Conditions:
CNGB1-related disorder. Also called: CNGB1-related condition.

Allele frequency attached by ClinVar (database versions not stated): gnomAD 0.00003 and 0.00002; gnomAD exomes below 0.00001; TOPMed 0.00002.
gnomAD v4.1: 6 of 1,614,126 alleles (0.00037%); highest among the groups gnomAD compares: African/African-American, 0.0053%; no homozygotes.

Submissions (3):

PreventionGenetics, part of Exact Sciences
Classification: Uncertain significance for CNGB1-related condition. Last evaluated: 2026-03-25. Review status: criteria provided, single submitter. Criteria: ACMG Guidelines, 2015. Collection method: clinical testing. Allele origin: germline.
Comment: The CNGB1 c.1867G>A variant is predicted to result in the amino acid substitution p.Glu623Lys. To our knowledge, this variant has not been reported in the literature. This variant is reported in 0.0065% of alleles in individuals of African descent in gnomAD. At this time, the clinical significance of this variant is uncertain due to the absence of conclusive functional and genetic evidence.

Labcorp Genetics (formerly Invitae), Labcorp
Classification: Uncertain significance. Last evaluated: 2024-01-02. Review status: criteria provided, single submitter. Criteria: Invitae Variant Classification Sherloc (09022015). Collection method: clinical testing. Allele origin: germline.
Comment: This sequence change replaces glutamic acid, which is acidic and polar, with lysine, which is basic and polar, at codon 623 of the CNGB1 protein (p.Glu623Lys). This variant is not present in population databases (gnomAD no frequency). This variant has not been reported in the literature in individuals affected with CNGB1-related conditions. ClinVar contains an entry for this variant (Variation ID: 1043249). Advanced modeling of protein sequence and biophysical properties (such as structural, functional, and spatial information, amino acid conservation, physicochemical variation, residue mobility, and thermodynamic stability) performed at Invitae indicates that this missense variant is not expected to disrupt CNGB1 protein function with a negative predictive value of 80%. In summary, the available evidence is currently insufficient to determine the role of this variant in disease. Therefore, it has been classified as a Variant of Uncertain Significance.

Blueprint Genetics
Classification: Uncertain significance. Last evaluated: 2023-11-06. Review status: criteria provided, single submitter. Criteria: ACMG Guidelines, 2015. Collection method: clinical testing. Allele origin: germline.

NM_001297.5(CNGB1):c.1867G>A (p.Glu623Lys)

Gene: CNGB1 (cyclic nucleotide gated channel subunit beta 1; minus strand). Cytogenetic location: 16q21.
Variant type: single nucleotide variant.
Coding change: c.1867G>A on transcript NM_001297.5 (MANE Select); coding-DNA position 1867, G replaced by A.
Protein change: p.Glu623Lys; replaces glutamic acid 623 with lysine.
Molecular consequence: missense variant.
Genome position (GRCh38, 1-based): chr16:57,919,189, C>T on the plus strand (G>A on the coding strand, the complement: CNGB1 is on the minus strand). VCF-style: chr16-57919189-C-T. GRCh37 (hg19) VCF-style: chr16-57953093-C-T.
Other names: c.1849G>A, p.Glu617Lys (NM_001286130.2); c.1867G>A (NM_001297.4); short protein forms E617K, E623K.
Identifiers: ClinVar variation 1043249 (VCV001043249.10), dbSNP rs1217395353, ClinGen allele CA396065645.